The following is an entry in ClinVar:

NC_000001.10:g.(215824144_215844313)_(215848959_215853490)del

Gene: USH2A (usherin; minus strand). Cytogenetic location: 1q41.
Variant type: Deletion.
Identifiers: ClinVar variation 3769279 (VCV003769279.2).

ClinVar aggregate classification (germline): Pathogenic (1 of 4 stars; one submission).

Conditions:
Usher syndrome. Also called: Usher Syndromes; Usher's syndrome. Identifiers: Orphanet 886, MedGen CN469326, MeSH D052245, MONDO:0019501. Disease mechanism: loss of function.

Submission:

Women's Health and Genetics/Laboratory Corporation of America, LabCorp
Classification: Pathogenic for Retinitis pigmentosa-deafness syndrome. Last evaluated: 2025-01-29. Review status: criteria provided, single submitter. Criteria: LabCorp Variant Classification Summary - May 2015. Collection method: clinical testing. Allele origin: germline.
Comment: Variant summary: The variant involves the deletion of exons 63-64 in the USH2A gene. A presumed nomenclature of c.(12294+1_12295-1)_(14133+1_14134-1)del has been designated for the purposes of this classification. This Copy Number Variant (CNV) is predicted to result in an in-frame deletion within this gene. The variant allele was found at a frequency of 0.00014 in 21694 control chromosomes. c.(12294+1_12295-1)_(14133+1_14134-1)del has been reported in the literature in compound heterozygous individuals affected with Usher Syndrome (Mansard_2021, Labcorp Genetics (formerly Invitae)). To our knowledge, no experimental evidence demonstrating an impact on protein function has been reported. The following publication have been ascertained in the context of this evaluation (PMID: 34948090). ClinVar contains an entry for this variant (Variation ID: 1458561, 832301). Based on the evidence outlined above, the variant was classified as pathogenic.

Literature cited by the submitters: PubMed 34948090.